The following is an entry in ClinVar:

NM_002227.4(JAK1):c.32A>G (p.Asn11Ser)

Gene: JAK1 (Janus kinase 1; minus strand). Cytogenetic location: 1p31.3.
Variant type: single nucleotide variant.
Coding change: c.32A>G on transcript NM_002227.4 (MANE Select); coding-DNA position 32, A replaced by G.
Protein change: p.Asn11Ser; replaces asparagine 11 with serine.
Molecular consequence: missense variant.
Genome position (GRCh38, 1-based): chr1:64,883,450, T>C on the plus strand (A>G on the coding strand, the complement: JAK1 is on the minus strand). VCF-style: chr1-64883450-T-C. GRCh37 (hg19) VCF-style: chr1-65349133-T-C.
Other names: c.32A>G, p.Asn11Ser (NM_001320923.2, NM_001321852.2, NM_001321853.2 and 4 more transcripts); short protein forms N11S.
Identifiers: ClinVar variation 1914275 (VCV001914275.6), dbSNP rs1167926810, ClinGen allele CA340714060.

ClinVar aggregate classification (germline): Uncertain significance. Review status: criteria provided, multiple submitters, no conflicts (2 of 4 stars). 2 submissions from 2 submitters: Uncertain significance (2). Last evaluated 2024-08-21.

Conditions:
Inborn genetic diseases. Identifiers: MedGen C0950123, MeSH D030342.

Allele frequency attached by ClinVar (database versions not stated): TOPMed below 0.00001.

Submissions (2):

Labcorp Genetics (formerly Invitae), Labcorp
Classification: Uncertain significance. Last evaluated: 2024-08-21. Review status: criteria provided, single submitter. Criteria: Invitae Variant Classification Sherloc (09022015). Collection method: clinical testing. Allele origin: germline.
Comment: This sequence change replaces asparagine, which is neutral and polar, with serine, which is neutral and polar, at codon 11 of the JAK1 protein (p.Asn11Ser). This variant is present in population databases (no rsID available, gnomAD 0.002%). This variant has not been reported in the literature in individuals affected with JAK1-related conditions. ClinVar contains an entry for this variant (Variation ID: 1914275). An algorithm developed to predict the effect of missense changes on protein structure and function outputs the following: PolyPhen-2: "Benign". The serine amino acid residue is found in multiple mammalian species, which suggests that this missense change does not adversely affect protein function. In summary, the available evidence is currently insufficient to determine the role of this variant in disease. Therefore, it has been classified as a Variant of Uncertain Significance.

Ambry Genetics
Classification: Uncertain significance for Inborn genetic diseases. Last evaluated: 2022-04-25. Review status: criteria provided, single submitter. Criteria: Ambry Variant Classification Scheme 2023. Collection method: clinical testing. Allele origin: germline.